The following is an entry in ClinVar:

ClinVar aggregate classification (germline): Uncertain significance (1 of 4 stars; one submission).

Submission:

Labcorp Genetics (formerly Invitae), Labcorp
Classification: Uncertain significance. Last evaluated: 2024-12-18. Review status: criteria provided, single submitter. Criteria: Invitae Variant Classification Sherloc (09022015). Collection method: clinical testing. Allele origin: germline.
Comment: This sequence change replaces phenylalanine, which is neutral and non-polar, with leucine, which is neutral and non-polar, at codon 2251 of the POLE protein (p.Phe2251Leu). This variant is not present in population databases (gnomAD no frequency). This variant has not been reported in the literature in individuals affected with POLE-related conditions. ClinVar contains an entry for this variant (Variation ID: 1414173). Invitae Evidence Modeling of protein sequence and biophysical properties (such as structural, functional, and spatial information, amino acid conservation, physicochemical variation, residue mobility, and thermodynamic stability) indicates that this missense variant is not expected to disrupt POLE protein function with a negative predictive value of 80%. In summary, the available evidence is currently insufficient to determine the role of this variant in disease. Therefore, it has been classified as a Variant of Uncertain Significance.

NM_006231.4(POLE):c.6753C>A (p.Phe2251Leu)

Gene: POLE (DNA polymerase epsilon, catalytic subunit; minus strand). Cytogenetic location: 12q24.33.
Variant type: single nucleotide variant.
Coding change: c.6753C>A on transcript NM_006231.4 (MANE Select); coding-DNA position 6753, C replaced by A.
Protein change: p.Phe2251Leu; replaces phenylalanine 2251 with leucine.
Molecular consequence: missense variant.
Genome position (GRCh38, 1-based): chr12:132,624,805, G>T on the plus strand (C>A on the coding strand, the complement: POLE is on the minus strand). VCF-style: chr12-132624805-G-T. GRCh37 (hg19) VCF-style: chr12-133201391-G-T.
Other names: short protein forms F2251L.
Identifiers: ClinVar variation 1414173 (VCV001414173.8), dbSNP rs2041796470, ClinGen allele CA387365914.